The following is an entry in ClinVar:

NM_139076.3(ABRAXAS1):c.419T>C (p.Ile140Thr)

Gene: ABRAXAS1 (abraxas 1, BRCA1 A complex subunit; minus strand). Cytogenetic location: 4q21.23.
Variant type: single nucleotide variant.
Coding change: c.419T>C on transcript NM_139076.3 (MANE Select); coding-DNA position 419, T replaced by C.
Protein change: p.Ile140Thr; replaces isoleucine 140 with threonine.
Molecular consequence: missense variant.
Genome position (GRCh38, 1-based): chr4:83,470,260, A>G on the plus strand (T>C on the coding strand, the complement: ABRAXAS1 is on the minus strand). VCF-style: chr4-83470260-A-G. GRCh37 (hg19) VCF-style: chr4-84391413-A-G.
Other names: c.92T>C, p.Ile31Thr (NM_001345962.2); short protein forms I140T, I31T.
Identifiers: ClinVar variation 1800346 (VCV001800346.2), dbSNP rs1722530222, ClinGen allele CA357259782.

ClinVar aggregate classification (germline): Uncertain significance (1 of 4 stars; one submission).

Allele frequency attached by ClinVar (database versions not stated): TOPMed below 0.00001.

Submission:

Ambry Genetics
Classification: Uncertain significance. Last evaluated: 2023-11-17. Review status: criteria provided, single submitter. Criteria: Ambry Variant Classification Scheme 2023. Collection method: clinical testing. Allele origin: germline.
Comment: The p.I140T variant (also known as c.419T>C), located in coding exon 5 of the FAM175A gene, results from a T to C substitution at nucleotide position 419. The isoleucine at codon 140 is replaced by threonine, an amino acid with similar properties. This amino acid position is conserved. In addition, this alteration is predicted to be tolerated by in silico analysis. Since supporting evidence is limited at this time, the clinical significance of this alteration remains unclear.